The following is an entry in ClinVar:

ClinVar aggregate classification (germline): Uncertain significance (1 of 4 stars; one submission).

Conditions:
Inborn genetic diseases. Identifiers: MedGen C0950123, MeSH D030342.

Submission:

Ambry Genetics
Classification: Uncertain significance for Inborn genetic diseases. Last evaluated: 2025-01-07. Review status: criteria provided, single submitter. Criteria: Ambry Variant Classification Scheme 2023. Collection method: clinical testing. Allele origin: germline.
Comment: The c.5687T>A (p.V1896D) alteration is located in exon 11 (coding exon 11) of the PRR12 gene. This alteration results from a T to A substitution at nucleotide position 5687, causing the valine (V) at amino acid position 1896 to be replaced by an aspartic acid (D). This variant was not reported in population-based cohorts in the Genome Aggregation Database (gnomAD). This amino acid position is well conserved in available vertebrate species. The in silico prediction for this alteration is inconclusive. Based on insufficient or conflicting evidence, the clinical significance of this alteration remains unclear.

NM_020719.3(PRR12):c.5687T>A (p.Val1896Asp)

Gene: PRR12 (proline rich 12; plus strand). Cytogenetic location: 19q13.33.
Variant type: single nucleotide variant.
Coding change: c.5687T>A on transcript NM_020719.3 (MANE Select); coding-DNA position 5687, T replaced by A.
Protein change: p.Val1896Asp; replaces valine 1896 with aspartic acid.
Molecular consequence: missense variant.
Genome position (GRCh38, 1-based): chr19:49,621,588, T>A. VCF-style: chr19-49621588-T-A. GRCh37 (hg19) VCF-style: chr19-50124845-T-A.
Other names: short protein forms V1896D.
Identifiers: ClinVar variation 3425864 (VCV003425864.2).